The following is an entry in ClinVar:

ClinVar aggregate classification (germline): Uncertain significance (1 of 4 stars; one submission).

Submission:

GeneDx
Classification: Uncertain significance. Last evaluated: 2024-05-20. Review status: criteria provided, single submitter. Criteria: GeneDx Variant Classification Process June 2021. Collection method: clinical testing. Allele origin: germline. Affected: yes.
Comment: Not observed at significant frequency in large population cohorts (gnomAD); In silico analysis indicates that this missense variant does not alter protein structure/function; Has not been previously published as pathogenic or benign to our knowledge

NM_001375380.1(EBF3):c.268G>A (p.Val90Met)

Gene: EBF3 (EBF transcription factor 3; minus strand). Cytogenetic location: 10q26.3.
Variant type: single nucleotide variant.
Coding change: c.268G>A on transcript NM_001375380.1 (MANE Select); coding-DNA position 268, G replaced by A.
Protein change: p.Val90Met; replaces valine 90 with methionine.
Molecular consequence: missense variant.
Genome position (GRCh38, 1-based): chr10:129,963,390, C>T on the plus strand (G>A on the coding strand, the complement: EBF3 is on the minus strand). VCF-style: chr10-129963390-C-T. GRCh37 (hg19) VCF-style: chr10-131761654-C-T.
Other names: c.268G>A, p.Val90Met (NM_001005463.3, NM_001375379.1, NM_001375389.1 and 3 more transcripts); short protein forms V90M.
Identifiers: ClinVar variation 3381562 (VCV003381562.1).